The following is an entry in ClinVar:

ClinVar aggregate classification (germline): Likely benign (1 of 4 stars; one submission).

Submission:

CeGaT Center for Human Genetics Tuebingen
Classification: Likely benign. Last evaluated: 2023-01-01. Review status: criteria provided, single submitter. Criteria: CeGaT Center For Human Genetics Tuebingen Variant Classification Criteria Version 2. Collection method: clinical testing. Allele origin: germline. Affected: yes. Observed: 27 variant alleles.
Comment: HDAC4: BS1

NM_001378414.1(HDAC4):c.490+37_490+55dup

Gene: HDAC4 (histone deacetylase 4; minus strand). Cytogenetic location: 2q37.3.
Variant type: Duplication.
Coding change: c.490+37_490+55dup on transcript NM_001378414.1 (MANE Select); bases 37 to 55 of the intron after coding-DNA position 490, 19 bases duplicated (AGGCCGGGCAGAGGGAGGG).
Molecular consequence: intron variant.
Genome position (GRCh38, 1-based): chr2:239,176,358-239,176,376, CCCTCCCTCTGCCCGGCCT duplicated on the plus strand (AGGCCGGGCAGAGGGAGGG on the coding strand, the reverse complement: HDAC4 is on the minus strand); duplicating any 19 consecutive bases within chr2:239,176,358-239,176,389 gives the same sequence; the c. name uses the placement nearest the transcript's 3' end. VCF-style (leftmost placement, unchanged base first): chr2-239176357-C-CCCCTCCCTCTGCCCGGCCT. GRCh37 (hg19) VCF-style: chr2-240098053-C-CCCCTCCCTCTGCCCGGCCT.
Other names: c.490+37_490+55dup (NM_001378417.1, NM_001378415.1, NM_001378416.1 and 1 more transcripts).
Identifiers: ClinVar variation 2652080 (VCV002652080.24), dbSNP rs3842553, ClinGen allele CA68041193.